The following is an entry in ClinVar:

NM_001267550.2(TTN):c.72488G>A (p.Arg24163His)

Genes: TTN-AS1 (TTN antisense RNA 1; plus strand), TTN (titin; minus strand). Cytogenetic location: 2q31.2.
Variant type: single nucleotide variant.
Coding change: c.72488G>A on transcript NM_001267550.2 (MANE Select); coding-DNA position 72488, G replaced by A.
Protein change: p.Arg24163His; replaces arginine 24163 with histidine.
Molecular consequence: missense variant.
Genome position (GRCh38, 1-based): chr2:178,573,644, C>T on the plus strand (G>A on the coding strand, the complement: TTN is on the minus strand). VCF-style: chr2-178573644-C-T. GRCh37 (hg19) VCF-style: chr2-179438371-C-T.
Other names: p.R22522H:CGT>CAT; c.45293G>A, p.Arg15098His (NM_003319.4); c.45668G>A, p.Arg15223His (NM_133432.3); c.45869G>A, p.Arg15290His (NM_133437.4); c.67565G>A, p.Arg22522His (NM_001256850.1); c.64784G>A, p.Arg21595His (NM_133378.4); short protein forms R24163H, R21595H, R22522H, R15098H, R15290H, R15223H.
Identifiers: ClinVar variation 47314 (VCV000047314.10), dbSNP rs374712231, ClinGen allele CA140653.
Genomic context (GRCh38, chr2:178,573,644, plus strand): 5'-TTTAGCTTTGTTACTTGGACTTCTGAGGCTACATTTGTCCATGCCAATCTGCTGGTTTCA[C>T]GTTTCTGTACTATGTAATGATCAATTTTGGCACCTCCATCATCCAGTGGAGGGAACCATG-3'
Protein context (NP_001254479.2, residues 24153-24173): AKIDHYIVQK[Arg24163His]ETSRLAWTNV

ClinVar aggregate classification (germline): Conflicting classifications of pathogenicity. Review status: criteria provided, conflicting classifications (1 of 4 stars). 5 submissions from 5 submitters: Uncertain significance (3); Likely benign (2). Last evaluated 2025-10-15.

Conditions:
Dilated cardiomyopathy 1G (CMD1G). Identifiers: Orphanet 154, MedGen C1858763, MONDO:0011400, OMIM 604145.
Autosomal recessive limb-girdle muscular dystrophy type 2J (LGMDR10). Also called: Limb-girdle muscular dystrophy, type 2J; MUSCULAR DYSTROPHY, LIMB-GIRDLE, AUTOSOMAL RECESSIVE 10. Identifiers: Orphanet 140922, MedGen C1837342, MONDO:0012127, OMIM 608807.

Allele frequency attached by ClinVar (database versions not stated): gnomAD 0.00004 and 0.00006; TOPMed 0.00005; ESP Exome Variant Server 0.00016; 1000 Genomes Project 30x 0.00031; 1000 Genomes Project 0.00040.
gnomAD v4.1: 74 of 1,499,946 alleles (0.0049%); highest among the groups gnomAD compares: African/African-American, 0.013%; no homozygotes.

Submissions (5):

Women's Health and Genetics/Laboratory Corporation of America, LabCorp
Classification: Uncertain significance. Last evaluated: 2025-10-15. Review status: criteria provided, single submitter. Criteria: LabCorp Variant Classification Summary - May 2015. Collection method: clinical testing. Allele origin: germline.
Comment: Variant summary: TTN c.64784G>A (p.Arg21595His) results in a non-conservative amino acid change in the encoded protein sequence. Algorithms developed to predict the effect of missense changes on protein structure and function all suggest that this variant is likely to be disruptive. The variant allele was found at a frequency of 2.9e-05 in 169990 control chromosomes. The available data on variant occurrences in the general population are insufficient to allow any conclusion about variant significance. c.64784G>A has been observed in the heterozygous state in at least 1 individual(s) affected with autosomal dominant dilated cardiomyopathy without strong evidence for causality (example, Pugh_2014). These report(s) do not provide unequivocal conclusions about association of the variant with TTN-related conditions. To our knowledge, no experimental evidence demonstrating an impact on protein function has been reported. ClinVar contains an entry for this variant (Variation ID: 47314). Based on the evidence outlined above, the variant was classified as uncertain significance.

Molecular Diagnostic Laboratory for Inherited Cardiovascular Disease, Montreal Heart Institute
Classification: Likely benign. Last evaluated: 2025-04-09. Review status: criteria provided, single submitter. Criteria: ACMG Guidelines, 2015. Collection method: clinical testing. Allele origin: germline. Affected: no.

GeneDx
Classification: Likely benign. Last evaluated: 2018-05-02. Review status: criteria provided, single submitter. Criteria: GeneDx Variant Classification Process June 2021. Collection method: clinical testing. Allele origin: germline. Affected: yes.
Comment: This variant is associated with the following publications: (PMID: 24503780)

Labcorp Genetics (formerly Invitae), Labcorp
Classification: Uncertain significance for Dilated cardiomyopathy 1G; Autosomal recessive limb-girdle muscular dystrophy type 2J. Last evaluated: 2017-08-03. Review status: criteria provided, single submitter. Criteria: Invitae Variant Classification Sherloc (09022015). Collection method: clinical testing. Allele origin: germline.

Laboratory for Molecular Medicine, Mass General Brigham Personalized Medicine
Classification: Uncertain significance. Last evaluated: 2015-05-20. Review status: criteria provided, single submitter. Criteria: LMM Criteria. Collection method: clinical testing. Allele origin: germline. Observed: 1 variant allele.
Comment: This variant has also been identified in 3/64008 European chromosomes by the Exome Aggregati on Consortium (ExAC; dbSNP rs374712231). Computa tional prediction tools and conservation analysis do not provide strong support for or against an impact to the protein. In summary, the clinical significance o f the p.Arg21595His variant is uncertain.

Literature cited by the submitters: PubMed 24503780 (cited by Women's Health and Genetics/Laboratory Corporation of America, LabCorp).